The following is an entry in ClinVar:

NM_033026.6(PCLO):c.11537G>A (p.Arg3846Gln)

Gene: PCLO (piccolo presynaptic cytomatrix protein; minus strand). Cytogenetic location: 7q21.11.
Variant type: single nucleotide variant.
Coding change: c.11537G>A on transcript NM_033026.6 (MANE Select); coding-DNA position 11537, G replaced by A.
Protein change: p.Arg3846Gln; replaces arginine 3846 with glutamine.
Molecular consequence: missense variant.
Genome position (GRCh38, 1-based): chr7:82,916,449, C>T on the plus strand (G>A on the coding strand, the complement: PCLO is on the minus strand). VCF-style: chr7-82916449-C-T. GRCh37 (hg19) VCF-style: chr7-82545765-C-T.
Other names: c.11537G>A, p.Arg3846Gln (NM_014510.3); short protein forms R3846Q.
Identifiers: ClinVar variation 1905270 (VCV001905270.5), dbSNP rs752373004, ClinGen allele CA4319548.

ClinVar aggregate classification (germline): Uncertain significance. Review status: criteria provided, multiple submitters, no conflicts (2 of 4 stars). 3 submissions from 3 submitters: Uncertain significance (3). Last evaluated 2025-07-12.

Conditions:
Inborn genetic diseases. Identifiers: MedGen C0950123, MeSH D030342.

Allele frequency attached by ClinVar (database versions not stated): gnomAD 0.00006; gnomAD exomes 0.00003; ExAC 0.00004.
gnomAD v4.1: 48 of 1,613,528 alleles (0.003%); highest among the groups gnomAD compares: African/African-American, 0.021%; no homozygotes.

Submissions (3):

GeneDx
Classification: Uncertain significance. Last evaluated: 2025-07-12. Review status: criteria provided, single submitter. Criteria: GeneDx Variant Classification Process June 2021. Collection method: clinical testing. Allele origin: germline. Affected: yes.
Comment: In silico analysis supports that this missense variant has a deleterious effect on protein structure/function; Has not been previously published as pathogenic or benign to our knowledge

Labcorp Genetics (formerly Invitae), Labcorp
Classification: Uncertain significance. Last evaluated: 2025-01-13. Review status: criteria provided, single submitter. Criteria: Invitae Variant Classification Sherloc (09022015). Collection method: clinical testing. Allele origin: germline.
Comment: This sequence change replaces arginine, which is basic and polar, with glutamine, which is neutral and polar, at codon 3846 of the PCLO protein (p.Arg3846Gln). This variant is present in population databases (rs752373004, gnomAD 0.03%). This variant has not been reported in the literature in individuals affected with PCLO-related conditions. ClinVar contains an entry for this variant (Variation ID: 1905270). Experimental studies and prediction algorithms are not available or were not evaluated, and the functional significance of this variant is currently unknown. In summary, the available evidence is currently insufficient to determine the role of this variant in disease. Therefore, it has been classified as a Variant of Uncertain Significance.

Ambry Genetics
Classification: Uncertain significance for Inborn genetic diseases. Last evaluated: 2021-07-09. Review status: criteria provided, single submitter. Criteria: Ambry Variant Classification Scheme 2023. Collection method: clinical testing. Allele origin: germline.